The following is an entry in ClinVar:

NM_021831.6(AGBL5):c.1815C>G (p.Ser605Arg)

Gene: AGBL5 (AGBL carboxypeptidase 5; plus strand). Cytogenetic location: 2p23.3.
Variant type: single nucleotide variant.
Coding change: c.1815C>G on transcript NM_021831.6 (MANE Select); coding-DNA position 1815, C replaced by G.
Protein change: p.Ser605Arg; replaces serine 605 with arginine.
Molecular consequence: missense variant. On other transcripts: non-coding transcript variant (2).
Genome position (GRCh38, 1-based): chr2:27,058,543, C>G. VCF-style: chr2-27058543-C-G. GRCh37 (hg19) VCF-style: chr2-27281411-C-G.
Other names: c.1815C>G (NM_021831.5); c.1815C>G, p.Ser605Arg (NM_001035507.3); short protein forms S605R.
Identifiers: ClinVar variation 1472896 (VCV001472896.5), dbSNP rs144289528, ClinGen allele CA1567974.

ClinVar aggregate classification (germline): Uncertain significance. Review status: criteria provided, multiple submitters, no conflicts (2 of 4 stars). 3 submissions from 3 submitters: Uncertain significance (3). Last evaluated 2025-06-25.

Conditions:
Inborn genetic diseases. Identifiers: MedGen C0950123, MeSH D030342.

Allele frequency attached by ClinVar (database versions not stated): gnomAD exomes 0.00001 and 0.00002; ExAC 0.00004; gnomAD 0.00007 and 0.00009; TOPMed 0.00012; ESP Exome Variant Server 0.00015.
gnomAD v4.1: 25 of 1,614,048 alleles (0.0015%); highest among the groups gnomAD compares: African/African-American, 0.033%; no homozygotes.

Submissions (3):

Ambry Genetics
Classification: Uncertain significance for Inborn genetic diseases. Last evaluated: 2025-06-25. Review status: criteria provided, single submitter. Criteria: Ambry Variant Classification Scheme 2023. Collection method: clinical testing. Allele origin: germline.

Labcorp Genetics (formerly Invitae), Labcorp
Classification: Uncertain significance. Last evaluated: 2022-07-18. Review status: criteria provided, single submitter. Criteria: Invitae Variant Classification Sherloc (09022015). Collection method: clinical testing. Allele origin: germline.
Comment: This sequence change replaces serine, which is neutral and polar, with arginine, which is basic and polar, at codon 605 of the AGBL5 protein (p.Ser605Arg). This variant is present in population databases (rs144289528, gnomAD 0.04%). This variant has not been reported in the literature in individuals affected with AGBL5-related conditions. ClinVar contains an entry for this variant (Variation ID: 1472896). Algorithms developed to predict the effect of missense changes on protein structure and function (SIFT, PolyPhen-2, Align-GVGD) all suggest that this variant is likely to be tolerated. In summary, the available evidence is currently insufficient to determine the role of this variant in disease. Therefore, it has been classified as a Variant of Uncertain Significance.

Blueprint Genetics
Classification: Uncertain significance. Last evaluated: 2021-12-10. Review status: criteria provided, single submitter. Criteria: ACMG Guidelines, 2015. Collection method: clinical testing. Allele origin: germline.